The following is an entry in ClinVar:

NM_001042492.3(NF1):c.6892C>A (p.Leu2298Ile)

Gene: NF1 (neurofibromin 1; plus strand). Cytogenetic location: 17q11.2.
Variant type: single nucleotide variant.
Coding change: c.6892C>A on transcript NM_001042492.3 (MANE Select); coding-DNA position 6892, C replaced by A.
Protein change: p.Leu2298Ile; replaces leucine 2298 with isoleucine.
Molecular consequence: missense variant.
Genome position (GRCh38, 1-based): chr17:31,338,776, C>A. VCF-style: chr17-31338776-C-A. GRCh37 (hg19) VCF-style: chr17-29665794-C-A.
Other names: c.6829C>A, p.Leu2277Ile (NM_000267.4); short protein forms L2298I, L2277I.
Identifiers: ClinVar variation 826647 (VCV000826647.5), dbSNP rs1555535049, ClinGen allele CA399014395.

ClinVar aggregate classification (germline): Uncertain significance (1 of 4 stars; one submission).

Conditions:
Hereditary cancer-predisposing syndrome. Also called: Neoplastic Syndromes, Hereditary; Tumor predisposition; Hereditary neoplastic syndrome; Hereditary Cancer Syndrome. Identifiers: Orphanet 140162, MedGen C0027672, MeSH D009386, MONDO:0015356.
Cardiovascular phenotype. Identifiers: MedGen CN230736.

Submission:

Ambry Genetics
Classification: Uncertain significance for Cardiovascular phenotype; Hereditary cancer-predisposing syndrome. Last evaluated: 2024-09-26. Review status: criteria provided, single submitter. Criteria: Ambry Variant Classification Scheme 2023. Collection method: clinical testing. Allele origin: germline.
Comment: The p.L2277I variant (also known as c.6829C>A), located in coding exon 45 of the NF1 gene, results from a C to A substitution at nucleotide position 6829. The leucine at codon 2277 is replaced by isoleucine, an amino acid with highly similar properties. This amino acid position is highly conserved in available vertebrate species. In addition, the in silico prediction for this alteration is inconclusive. Based on the available evidence, the clinical significance of this variant remains unclear.